The following is an entry in ClinVar:

ClinVar aggregate classification (germline): Uncertain significance. Review status: reviewed by expert panel (3 of 4 stars). 3 submissions from 3 submitters: Uncertain significance (1). 2 of the submissions do not count toward it. Last evaluated 2023-12-19.

Conditions:
Inborn genetic diseases. Identifiers: MedGen C0950123, MeSH D030342.
Glanzmann thrombasthenia. Also called: BLEEDING DISORDER, PLATELET-TYPE, 2; THROMBASTHENIA OF GLANZMANN AND NAEGELI; Glanzmann's thrombasthenia; Thrombasthenia; PLATELET GLYCOPROTEIN IIb-IIIa DEFICIENCY. Identifiers: Orphanet 849, MedGen C0040015, MONDO:0100326.

Allele frequency attached by ClinVar (database versions not stated): gnomAD exomes 0.00004; gnomAD 0.00005; TOPMed 0.00008; ExAC 0.00012.

Submissions (3):

ClinGen Platelet Disorders Variant Curation Expert Panel, ClinGen
Classification: Uncertain significance for Glanzmann thrombasthenia. Last evaluated: 2023-12-19. Review status: reviewed by expert panel. Criteria: ClinGen Platelet ACMG Specifications v2-1. Collection method: curation. Allele origin: germline. Inheritance: Autosomal recessive inheritance.
Comment: The c.598G>A variant in ITGB3 is a missense variant predicted to cause substitution of Glutamic Acid by Lysine at amino acid 200 (p.Glu200Lys). The highest population minor allele frequency in gnomAD v4.0.0 is 0.00006684 (3/44884 alleles) in the East Asian population, which is lower than the ClinGen PD VCEP threshold (<0.0001; PM2_Supporting). A homozygous patient was reported with Glanzmann thrombasthenia in a thesis from The University of Sheffield (Sabi, 2016). The patient has mucocutaneous bleeding symptoms, including epistaxis, however they also have macrothrombocytopenia (not consistent with GT) and no aggregation or surface expression data were reported to confirm the diagnosis. Additionally, the thesis reported functional studies; CHO cells were cotransfected with wild-type ITGA2B cDNA and variant ITGB3 cDNA, demonstrating similar surface expression, activation, and ligand binding, of αIIbβ3 to that observed in cells expressing the wild-type receptor (BS3). In summary, this variant meets the criteria to be classified as VUS for autosomal recessive Glanzmann Thrombasthenia based on the ACMG/AMP criteria applied, as specified by the ClinGen PD VCEP: BS3, PM2_Supporting (VCEP specifications version 2).

Labcorp Genetics (formerly Invitae), Labcorp
Classification: Likely benign. Last evaluated: 2024-12-31. Review status: criteria provided, single submitter. Criteria: Invitae Variant Classification Sherloc (09022015). Collection method: clinical testing. Allele origin: germline. Not counted in ClinVar's aggregate classification.

Ambry Genetics
Classification: Likely benign for Inborn genetic diseases. Last evaluated: 2021-08-10. Review status: criteria provided, single submitter. Criteria: Ambry Variant Classification Scheme 2023. Collection method: clinical testing. Allele origin: germline. Not counted in ClinVar's aggregate classification.

NM_000212.3(ITGB3):c.598G>A (p.Glu200Lys)

Gene: ITGB3 (integrin subunit beta 3; plus strand). Cytogenetic location: 17q21.32.
Variant type: single nucleotide variant.
Coding change: c.598G>A on transcript NM_000212.3 (MANE Select); coding-DNA position 598, G replaced by A.
Protein change: p.Glu200Lys; replaces glutamic acid 200 with lysine.
Molecular consequence: missense variant.
Genome position (GRCh38, 1-based): chr17:47,284,679, G>A. VCF-style: chr17-47284679-G-A. GRCh37 (hg19) VCF-style: chr17-45362045-G-A.
Other names: NM_000212.3(ITGB3):c.598G>A; p.Glu200Lys; short protein forms E200K.
Identifiers: ClinVar variation 2073656 (VCV002073656.6), dbSNP rs543887885, ClinGen allele CA8622990.